The following is an entry in ClinVar:

NM_004612.4(TGFBR1):c.50T>C (p.Leu17Pro)

Gene: TGFBR1 (transforming growth factor beta receptor 1; plus strand). Cytogenetic location: 9q22.33.
Variant type: single nucleotide variant.
Coding change: c.50T>C on transcript NM_004612.4 (MANE Select); coding-DNA position 50, T replaced by C.
Protein change: p.Leu17Pro; replaces leucine 17 with proline.
Molecular consequence: missense variant.
Genome position (GRCh38, 1-based): chr9:99,105,255, T>C. VCF-style: chr9-99105255-T-C. GRCh37 (hg19) VCF-style: chr9-101867537-T-C.
Other names: c.50T>C, p.Leu17Pro (NM_001130916.3, NM_001306210.2, NM_001407416.1 and 5 more transcripts); c.-294T>C (NM_001407420.1, NM_001407429.1); c.-263T>C (NM_001407422.1, NM_001407426.1); c.-218T>C (NM_001407428.1); short protein forms L17P.
Identifiers: ClinVar variation 2430557 (VCV002430557.1), dbSNP rs2118164469, ClinGen allele CA374223590.

ClinVar aggregate classification (germline): Uncertain significance (1 of 4 stars; one submission).

Submission:

GeneDx
Classification: Uncertain significance. Last evaluated: 2022-08-15. Review status: criteria provided, single submitter. Criteria: GeneDx Variant Classification Process June 2021. Collection method: clinical testing. Allele origin: germline. Affected: yes.
Comment: Not observed at significant frequency in large population cohorts (gnomAD); In silico analysis supports that this missense variant does not alter protein structure/function; Has not been previously published as pathogenic or benign to our knowledge